The following is an entry in ClinVar:

ClinVar aggregate classification (germline): Uncertain significance (1 of 4 stars; one submission).

Submission:

Labcorp Genetics (formerly Invitae), Labcorp
Classification: Uncertain significance. Last evaluated: 2022-04-12. Review status: criteria provided, single submitter. Criteria: Invitae Variant Classification Sherloc (09022015). Collection method: clinical testing. Allele origin: germline.
Comment: This sequence change replaces arginine, which is basic and polar, with glutamine, which is neutral and polar, at codon 37 of the TK2 protein (p.Arg37Gln). This variant is not present in population databases (gnomAD no frequency). This variant has not been reported in the literature in individuals affected with TK2-related conditions. Advanced modeling of protein sequence and biophysical properties (such as structural, functional, and spatial information, amino acid conservation, physicochemical variation, residue mobility, and thermodynamic stability) performed at Invitae indicates that this missense variant is not expected to disrupt TK2 protein function. In summary, the available evidence is currently insufficient to determine the role of this variant in disease. Therefore, it has been classified as a Variant of Uncertain Significance.

NM_004614.5(TK2):c.110G>A (p.Arg37Gln)

Genes: TK2 (thymidine kinase 2; minus strand), LOC130059156 (ATAC-STARR-seq lymphoblastoid silent region 7560; plus strand). Cytogenetic location: 16q21.
Variant type: single nucleotide variant.
Coding change: c.110G>A on transcript NM_004614.5 (MANE Select); coding-DNA position 110, G replaced by A.
Protein change: p.Arg37Gln; replaces arginine 37 with glutamine.
Molecular consequence: missense variant. On other transcripts: 5 prime UTR variant (2), non-coding transcript variant (1), intron variant (2).
Genome position (GRCh38, 1-based): chr16:66,549,952, C>T on the plus strand (G>A on the coding strand, the complement: TK2 is on the minus strand). VCF-style: chr16-66549952-C-T. GRCh37 (hg19) VCF-style: chr16-66583855-C-T.
Other names: c.110G>A, p.Arg37Gln (NM_001172644.2, NM_001172645.2); c.-133G>A (NM_001271934.2); c.-543G>A (NM_001272050.2); c.31+301G>A (NM_001271935.1, NM_001172643.1); short protein forms R37Q.
Identifiers: ClinVar variation 1952579 (VCV001952579.2), dbSNP rs2507216150, ClinGen allele CA396193476.